The following is an entry in ClinVar:

ClinVar aggregate classification (germline): Uncertain significance (1 of 4 stars; one submission).

gnomAD v4.1: 1 of 1,613,192 alleles (0.000062%); highest among the groups gnomAD compares: Non-Finnish European, 0.000085%; no homozygotes.

Submission:

Labcorp Genetics (formerly Invitae), Labcorp
Classification: Uncertain significance. Last evaluated: 2022-08-23. Review status: criteria provided, single submitter. Criteria: Invitae Variant Classification Sherloc (09022015). Collection method: clinical testing. Allele origin: germline.
Comment: Algorithms developed to predict the effect of sequence changes on RNA splicing suggest that this variant may create or strengthen a splice site. In summary, the available evidence is currently insufficient to determine the role of this variant in disease. Therefore, it has been classified as a Variant of Uncertain Significance. This variant has not been reported in the literature in individuals affected with DGKZ-related conditions. This variant is not present in population databases (gnomAD no frequency). This sequence change falls in intron 30 of the DGKZ gene. It does not directly change the encoded amino acid sequence of the DGKZ protein.

NM_001199267.2(DGKZ):c.2570+13G>T

Gene: DGKZ (diacylglycerol kinase zeta; plus strand). Cytogenetic location: 11p11.2.
Variant type: single nucleotide variant.
Coding change: c.2570+13G>T on transcript NM_001199267.2 (MANE Select); 13 bases into the intron after coding-DNA position 2570, G replaced by T.
Molecular consequence: intron variant.
Genome position (GRCh38, 1-based): chr11:46,379,249, G>T. VCF-style: chr11-46379249-G-T. GRCh37 (hg19) VCF-style: chr11-46400799-G-T.
Other names: c.2621+13G>T (NM_201532.3); c.2585+13G>T (NM_201533.3); c.2573+13G>T (NM_001199266.2, NM_003646.4); c.2504+13G>T (NM_001199268.2); c.3137+13G>T (NM_001105540.2).
Identifiers: ClinVar variation 1896787 (VCV001896787.5), dbSNP rs2496603425, ClinGen allele CA2580084131.